The following is an entry in ClinVar:

ClinVar aggregate classification (germline): Uncertain significance. Review status: criteria provided, multiple submitters, no conflicts (2 of 4 stars). 2 submissions from 2 submitters: Uncertain significance (2). Last evaluated 2025-05-02.

Conditions:
Charcot-Marie-Tooth disease type 2. Also called: Charcot-Marie-Tooth type 2. Identifiers: Orphanet 64746, MedGen C0270914, MONDO:0018993.

Allele frequency attached by ClinVar (database versions not stated): gnomAD exomes below 0.00001.
gnomAD v4.1: 1 of 1,614,044 alleles (0.000062%); highest among the groups gnomAD compares: Non-Finnish European, 0.000085%; no homozygotes.

Submissions (2):

Ambry Genetics
Classification: Uncertain significance. Last evaluated: 2025-05-02. Review status: criteria provided, single submitter. Criteria: Ambry Variant Classification Scheme 2023. Collection method: clinical testing. Allele origin: germline.
Comment: The p.T1505A variant (also known as c.4513A>G), located in coding exon 40 of the KIF1B gene, results from an A to G substitution at nucleotide position 4513. The threonine at codon 1505 is replaced by alanine, an amino acid with similar properties. This amino acid position is conserved. In addition, this alteration is predicted to be tolerated by in silico analysis. Since supporting evidence is limited at this time, the clinical significance of this alteration remains unclear.

Labcorp Genetics (formerly Invitae), Labcorp
Classification: Uncertain significance for Charcot-Marie-Tooth disease type 2. Last evaluated: 2023-01-30. Review status: criteria provided, single submitter. Criteria: Invitae Variant Classification Sherloc (09022015). Collection method: clinical testing. Allele origin: germline.
Comment: This sequence change replaces threonine, which is neutral and polar, with alanine, which is neutral and non-polar, at codon 1505 of the KIF1B protein (p.Thr1505Ala). This variant is not present in population databases (gnomAD no frequency). This variant has not been reported in the literature in individuals affected with KIF1B-related conditions. ClinVar contains an entry for this variant (Variation ID: 1741143). Algorithms developed to predict the effect of missense changes on protein structure and function (SIFT, PolyPhen-2, Align-GVGD) all suggest that this variant is likely to be tolerated. In summary, the available evidence is currently insufficient to determine the role of this variant in disease. Therefore, it has been classified as a Variant of Uncertain Significance.

NM_001365951.3(KIF1B):c.4651A>G (p.Thr1551Ala)

Gene: KIF1B (kinesin family member 1B; plus strand). Cytogenetic location: 1p36.22.
Variant type: single nucleotide variant.
Coding change: c.4651A>G on transcript NM_001365951.3 (MANE Select); coding-DNA position 4651, A replaced by G.
Protein change: p.Thr1551Ala; replaces threonine 1551 with alanine.
Molecular consequence: missense variant.
Genome position (GRCh38, 1-based): chr1:10,365,547, A>G. VCF-style: chr1-10365547-A-G. GRCh37 (hg19) VCF-style: chr1-10425605-A-G.
Other names: c.4651A>G, p.Thr1551Ala (NM_001365952.1); c.4513A>G, p.Thr1505Ala (NM_015074.3); short protein forms T1505A, T1551A.
Identifiers: ClinVar variation 1741143 (VCV001741143.7), dbSNP rs1638547022, ClinGen allele CA338322136.